The following is an entry in ClinVar:

NM_133459.4(CCBE1):c.*2242T>C

Gene: CCBE1 (collagen and calcium binding EGF domains 1; minus strand). Cytogenetic location: 18q21.32.
Variant type: single nucleotide variant.
Coding change: c.*2242T>C on transcript NM_133459.4 (MANE Select); 2242 bases downstream of the stop codon, T replaced by C.
Molecular consequence: 3 prime UTR variant.
Genome position (GRCh38, 1-based): chr18:59,433,666, A>G on the plus strand (T>C on the coding strand, the complement: CCBE1 is on the minus strand). VCF-style: chr18-59433666-A-G. GRCh37 (hg19) VCF-style: chr18-57100898-A-G.
Other names: c.*2242T>C (LRG_1209t1).
Identifiers: ClinVar variation 327645 (VCV000327645.6), dbSNP rs9948686, ClinGen allele CA10651271.
Genomic context (GRCh38, chr18:59,433,666, plus strand): 5'-GATATTTTTTTTTTTTTGAGACAGAGTCTCGCTCTGTCGCCCAGGCTGGAGTGCAGTGGC[A>G]CGATCTCGGCTCAGCGCAAGCTCCGCCTCCCAGGTTCACGCCATTCTCCTGCCTCAGCCT-3'

ClinVar aggregate classification (germline): Benign. Review status: criteria provided, multiple submitters, no conflicts (2 of 4 stars). 2 submissions from 2 submitters: Benign (2). Last evaluated 2018-01-13.

Conditions:
Hennekam lymphangiectasia-lymphedema syndrome 1 (HKLLS1). Also called: LYMPHATIC DYSPLASIA, GENERALIZED. Identifiers: Orphanet 2136, MedGen C4012050, MONDO:0009337, OMIM 235510.

Allele frequency attached by ClinVar (database versions not stated): gnomAD 0.82319 and 0.82555; TOPMed 0.82683; 1000 Genomes Project 30x 0.85087; 1000 Genomes Project 0.85264.

Submissions (2):

Illumina Laboratory Services, Illumina
Classification: Benign for Hennekam lymphangiectasia-lymphedema syndrome 1. Last evaluated: 2018-01-13. Review status: criteria provided, single submitter. Criteria: ICSL Variant Classification Criteria 13 December 2019. Collection method: clinical testing. Allele origin: germline.
Comment: This variant was observed in the ICSL laboratory as part of a predisposition screen in an ostensibly healthy population. It had not been previously curated by ICSL or reported in the Human Gene Mutation Database (HGMD: prior to June 1st, 2018), and was therefore a candidate for classification through an automated scoring system. Utilizing variant allele frequency, disease prevalence and penetrance estimates, and inheritance mode, an automated score was calculated to assess if this variant is too frequent to cause the disease. Based on the score and internal cut-off values, a variant classified as benign is not then subjected to further curation. The score for this variant resulted in a classification of benign for this disease.

Breakthrough Genomics
Classification: Benign. Review status: criteria provided, single submitter. Criteria: ACMG Guidelines, 2015. Collection method: not provided. Allele origin: germline. Inheritance: Autosomal recessive inheritance. Affected: yes.